The following is an entry in ClinVar:

ClinVar aggregate classification (germline): Pathogenic (1 of 4 stars; one submission).

Conditions:
Hereditary nonpolyposis colorectal neoplasms. Identifiers: MedGen C0009405, MeSH D003123.

Submission:

Labcorp Genetics (formerly Invitae), Labcorp
Classification: Pathogenic for Hereditary nonpolyposis colorectal neoplasms. Last evaluated: 2017-04-24. Review status: criteria provided, single submitter. Criteria: Invitae Variant Classification Sherloc (09022015). Collection method: clinical testing. Allele origin: germline.
Comment: This variant is an out-of-frame deletion of the genomic region encompassing exons 3-5 of the PMS2 gene. This creates a premature translational stop signal and is expected to result in an absent or disrupted protein product. While this particular variant has not been reported in the literature, loss-of-function variants in PMS2 are known to be pathogenic (PMID: 21376568, 24362816). For these reasons, this variant has been classified as Pathogenic.

NC_000007.14:g.(?_6002447)_(6004064_?)del

Gene: PMS2 (PMS1 homolog 2, mismatch repair system component; minus strand). Cytogenetic location: 7p22.1.
Variant type: Deletion.
Identifiers: ClinVar variation 455104 (VCV000455104.1).